The following is an entry in ClinVar:

ClinVar aggregate classification (germline): Uncertain significance (1 of 4 stars; one submission).

Allele frequency attached by ClinVar (database versions not stated): ExAC 0.00001; gnomAD exomes 0.00002; TOPMed 0.00002; gnomAD 0.00002; ESP Exome Variant Server 0.00008.
gnomAD v4.1: 26 of 1,613,118 alleles (0.0016%); highest among the groups gnomAD compares: South Asian, 0.0022%; no homozygotes.

Submission:

Labcorp Genetics (formerly Invitae), Labcorp
Classification: Uncertain significance. Last evaluated: 2025-02-12. Review status: criteria provided, single submitter. Criteria: Invitae Variant Classification Sherloc (09022015). Collection method: clinical testing. Allele origin: germline.
Comment: This sequence change replaces arginine, which is basic and polar, with histidine, which is basic and polar, at codon 1262 of the ARID1A protein (p.Arg1262His). This variant is present in population databases (rs140125151, gnomAD 0.002%). This variant has not been reported in the literature in individuals affected with ARID1A-related conditions. ClinVar contains an entry for this variant (Variation ID: 3004171). Invitae Evidence Modeling of protein sequence and biophysical properties (such as structural, functional, and spatial information, amino acid conservation, physicochemical variation, residue mobility, and thermodynamic stability) indicates that this missense variant is not expected to disrupt ARID1A protein function with a negative predictive value of 80%. In summary, the available evidence is currently insufficient to determine the role of this variant in disease. Therefore, it has been classified as a Variant of Uncertain Significance.

NM_006015.6(ARID1A):c.3785G>A (p.Arg1262His)

Gene: ARID1A (AT-rich interaction domain 1A; plus strand). Cytogenetic location: 1p36.11.
Variant type: single nucleotide variant.
Coding change: c.3785G>A on transcript NM_006015.6 (MANE Select); coding-DNA position 3785, G replaced by A.
Protein change: p.Arg1262His; replaces arginine 1262 with histidine.
Molecular consequence: missense variant.
Genome position (GRCh38, 1-based): chr1:26,773,415, G>A. VCF-style: chr1-26773415-G-A. GRCh37 (hg19) VCF-style: chr1-27099906-G-A.
Other names: c.3785G>A, p.Arg1262His (NM_139135.4); short protein forms R1262H.
Identifiers: ClinVar variation 3004171 (VCV003004171.3), dbSNP rs140125151, ClinGen allele CA707310.
Genomic context (GRCh38, chr1:26,773,415, plus strand): 5'-GTGATCCCTTCATGTCCTCAGGGCAGGGCCCCAACGGCGGGATGGGTGACCCCTACAGTC[G>A]TGCTGCCGGCCCTGGGCTAGGAAATGTGGCGATGGGACCACGACAGCACTATCCCTATGG-3'
Protein context (NP_006006.3, residues 1252-1272): PNGGMGDPYS[Arg1262His]AAGPGLGNVA